The following is an entry in ClinVar:

ClinVar aggregate classification (germline): Uncertain significance (1 of 4 stars; one submission).

Conditions:
Hypertrophic cardiomyopathy 26. Also called: Cardiomyopathy, familial hypertrophic, 26. Identifiers: Orphanet 75249, MedGen C4310749, MONDO:0014883, OMIM 617047.
Myofibrillar myopathy 5. Also called: Filaminopathy (type); FILAMINOPATHY, AUTOSOMAL DOMINANT. Identifiers: Orphanet 171445, MedGen C1836050, MONDO:0012289, OMIM 609524.
Distal myopathy with posterior leg and anterior hand involvement. Also called: WILLIAMS DISTAL MYOPATHY. Identifiers: Orphanet 63273, MedGen C3279722, MONDO:0013550, OMIM 614065.

Submission:

Labcorp Genetics (formerly Invitae), Labcorp
Classification: Uncertain significance for Distal myopathy with posterior leg and anterior hand involvement; Myofibrillar myopathy 5; Hypertrophic cardiomyopathy 26. Last evaluated: 2023-02-21. Review status: criteria provided, single submitter. Criteria: Invitae Variant Classification Sherloc (09022015). Collection method: clinical testing. Allele origin: germline.
Comment: Advanced modeling of protein sequence and biophysical properties (such as structural, functional, and spatial information, amino acid conservation, physicochemical variation, residue mobility, and thermodynamic stability) has been performed at Invitae for this missense variant, however the output from this modeling did not meet the statistical confidence thresholds required to predict the impact of this variant on FLNC protein function. In summary, the available evidence is currently insufficient to determine the role of this variant in disease. Therefore, it has been classified as a Variant of Uncertain Significance. This variant has not been reported in the literature in individuals affected with FLNC-related conditions. This variant is not present in population databases (gnomAD no frequency). This sequence change replaces lysine, which is basic and polar, with glutamine, which is neutral and polar, at codon 158 of the FLNC protein (p.Lys158Gln).

NM_001458.5(FLNC):c.472A>C (p.Lys158Gln)

Gene: FLNC (filamin C; plus strand). Cytogenetic location: 7q32.1.
Variant type: single nucleotide variant.
Coding change: c.472A>C on transcript NM_001458.5 (MANE Select); coding-DNA position 472, A replaced by C.
Protein change: p.Lys158Gln; replaces lysine 158 with glutamine.
Molecular consequence: missense variant.
Genome position (GRCh38, 1-based): chr7:128,835,445, A>C. VCF-style: chr7-128835445-A-C. GRCh37 (hg19) VCF-style: chr7-128475499-A-C.
Other names: c.472A>C, p.Lys158Gln (NM_001127487.2); short protein forms K158Q.
Identifiers: ClinVar variation 2928761 (VCV002928761.3), dbSNP rs2536614663, ClinGen allele CA369219302.